The following is an entry in ClinVar:

NM_006346.4(PIBF1):c.2076_2100del (p.Val693fs)

Gene: PIBF1 (progesterone immunomodulatory binding factor 1; plus strand). Cytogenetic location: 13q22.1.
Variant type: Deletion.
Coding change: c.2076_2100del on transcript NM_006346.4 (MANE Select); coding-DNA positions 2076 to 2100, 25 bases deleted (CGTTAAGATGCATAGTAAACATTCT).
Protein change: p.Val693fs; shifts the reading frame from valine 693.
Molecular consequence: frameshift variant. On other transcripts: non-coding transcript variant (2).
Genome position (GRCh38, 1-based): chr13:72,998,848-72,998,872, CGTTAAGATGCATAGTAAACATTCT deleted; deleting any 25 consecutive bases within chr13:72,998,843-72,998,872 gives the same sequence; the c. name uses the placement nearest the transcript's 3' end. VCF-style (leftmost placement, unchanged base first): chr13-72998842-GATTCTCGTTAAGATGCATAGTAAAC-G. GRCh37 (hg19) VCF-style: chr13-73572980-GATTCTCGTTAAGATGCATAGTAAAC-G.
Other names: c.2163_2187del, p.Val722fs (NM_001349655.2); short protein forms V693fs, V722fs.
Identifiers: ClinVar variation 3338618 (VCV003338618.1).
Genomic context (GRCh38, chr13:72,998,842, plus strand): 5'-ATCACTCTTGCTACTTTCTTCTGTTTTCATATATCAACAGGAATTGGCAGCAATGAAACA[GATTCTCGTTAAGATGCATAGTAAAC>G]ATTCTGAGAACAGCTTACTTCTCACTAAAACAGAACCAAAACATGTGACAGAAAATCAGA-3'

ClinVar aggregate classification (germline): Likely pathogenic (1 of 4 stars; one submission).

Conditions:
Joubert syndrome 33. Identifiers: MedGen C4540389, MONDO:0033311, OMIM 617767.

Submission:

Greenwood Genetic Center Diagnostic Laboratories, Greenwood Genetic Center
Classification: Likely pathogenic for Joubert syndrome 33. Last evaluated: 2024-05-02. Review status: criteria provided, single submitter. Criteria: ACMG Guidelines, 2015. Collection method: clinical testing. Allele origin: germline. Affected: yes.
Comment: PVS1, PM2